The following is an entry in ClinVar:

ClinVar aggregate classification (germline): Uncertain significance (1 of 4 stars; one submission).

Conditions:
Multiple endocrine neoplasia, type 2 (MEN2). Identifiers: Orphanet 653, MedGen C4048306, MONDO:0019003. Disease mechanism: gain of function.

Submission:

Labcorp Genetics (formerly Invitae), Labcorp
Classification: Uncertain significance for Multiple endocrine neoplasia, type 2. Last evaluated: 2024-04-22. Review status: criteria provided, single submitter. Criteria: Invitae Variant Classification Sherloc (09022015). Collection method: clinical testing. Allele origin: germline.
Comment: This sequence change falls in intron 9 of the RET gene. It does not directly change the encoded amino acid sequence of the RET protein. This variant is not present in population databases (gnomAD no frequency). This variant has not been reported in the literature in individuals affected with RET-related conditions. Algorithms developed to predict the effect of sequence changes on RNA splicing suggest that this variant may create or strengthen a splice site. In summary, the available evidence is currently insufficient to determine the role of this variant in disease. Therefore, it has been classified as a Variant of Uncertain Significance.

NM_020975.6(RET):c.1759+12T>C

Gene: RET (ret proto-oncogene; plus strand). Cytogenetic location: 10q11.21.
Variant type: single nucleotide variant.
Coding change: c.1759+12T>C on transcript NM_020975.6 (MANE Select); 12 bases into the intron after coding-DNA position 1759, T replaced by C.
Molecular consequence: intron variant.
Genome position (GRCh38, 1-based): chr10:43,112,975, T>C. VCF-style: chr10-43112975-T-C. GRCh37 (hg19) VCF-style: chr10-43608423-T-C.
Other names: c.1759+12T>C (NM_020630.7, NM_001406743.1, NM_001406744.1 and 4 more transcripts); c.1363+12T>C (NM_001406772.1, NM_001406769.1); c.1321+12T>C (NM_001406773.1, NM_001406771.1); c.862+12T>C (NM_001406782.1, NM_001406780.1, NM_001406779.1 and 3 more transcripts); c.1630+12T>C (NM_001406764.1, NM_001406762.1, NM_001406761.1 and 1 more transcripts); c.1234+12T>C (NM_001406774.1); c.733+12T>C (NM_001406786.1, NM_001406783.1); c.1471+12T>C (NM_001406770.1, NM_001406766.1, NM_001406767.1); and 5 more.
Identifiers: ClinVar variation 2762481 (VCV002762481.3), dbSNP rs2132818174, ClinGen allele CA2697558315.